The following is an entry in ClinVar:

NM_000053.4(ATP7B):c.1648G>A (p.Gly550Ser)

Gene: ATP7B (ATPase copper transporting beta; minus strand). Cytogenetic location: 13q14.3.
Variant type: single nucleotide variant.
Coding change: c.1648G>A on transcript NM_000053.4 (MANE Select); coding-DNA position 1648, G replaced by A.
Protein change: p.Gly550Ser; replaces glycine 550 with serine.
Molecular consequence: missense variant.
Genome position (GRCh38, 1-based): chr13:51,968,503, C>T on the plus strand (G>A on the coding strand, the complement: ATP7B is on the minus strand). VCF-style: chr13-51968503-C-T. GRCh37 (hg19) VCF-style: chr13-52542639-C-T.
Other names: c.1648G>A, p.Gly550Ser (NM_001005918.3, NM_001330578.2, NM_001330579.2); c.1315G>A, p.Gly439Ser (NM_001243182.2); short protein forms G439S, G550S.
Identifiers: ClinVar variation 1394834 (VCV001394834.6), dbSNP rs964566440, ClinGen allele CA250064882.

ClinVar aggregate classification (germline): Uncertain significance (1 of 4 stars; one submission).

Conditions:
Wilson disease (WND). Also called: Wilson's disease. Identifiers: Orphanet 905, MedGen C0019202, MONDO:0010200, OMIM 277900. Disease mechanism: loss of function.

Submission:

Labcorp Genetics (formerly Invitae), Labcorp
Classification: Uncertain significance for Wilson disease. Last evaluated: 2021-11-24. Review status: criteria provided, single submitter. Criteria: Invitae Variant Classification Sherloc (09022015). Collection method: clinical testing. Allele origin: germline.
Comment: This sequence change replaces glycine, which is neutral and non-polar, with serine, which is neutral and polar, at codon 550 of the ATP7B protein (p.Gly550Ser). This variant is not present in population databases (gnomAD no frequency). In summary, the available evidence is currently insufficient to determine the role of this variant in disease. Therefore, it has been classified as a Variant of Uncertain Significance. Advanced modeling of protein sequence and biophysical properties (such as structural, functional, and spatial information, amino acid conservation, physicochemical variation, residue mobility, and thermodynamic stability) performed at Invitae indicates that this missense variant is expected to disrupt ATP7B protein function. This variant has not been reported in the literature in individuals affected with ATP7B-related conditions.